The following is an entry in ClinVar:

NM_170606.3(KMT2C):c.4793+4C>T

Gene: KMT2C (lysine methyltransferase 2C; minus strand). Cytogenetic location: 7q36.1.
Variant type: single nucleotide variant.
Coding change: c.4793+4C>T on transcript NM_170606.3 (MANE Select); 4 bases into the intron after coding-DNA position 4793, C replaced by T.
Molecular consequence: intron variant.
Genome position (GRCh38, 1-based): chr7:152,187,711, G>A on the plus strand (C>T on the coding strand, the complement: KMT2C is on the minus strand). VCF-style: chr7-152187711-G-A. GRCh37 (hg19) VCF-style: chr7-151884796-G-A.
Identifiers: ClinVar variation 4535664 (VCV004535664.1).
Genomic context (GRCh38, chr7:152,187,711, plus strand): 5'-ATTTATATATAAATCAAACAGAAATTAGTGCAATTTAAGTTTCCATAGAAAATAAGGCTT[G>A]TACCTGGCATCAGGATAAGAGGATTGTGCAATTGCAGAGAAAGTTCCCAGTCCGCTTCCA-3'

ClinVar aggregate classification (germline): Uncertain significance (1 of 4 stars; one submission).

gnomAD v4.1: 9 of 1,612,180 alleles (0.00056%); highest among the groups gnomAD compares: African/African-American, 0.011%; no homozygotes.

Submission:

Women's Health and Genetics/Laboratory Corporation of America, LabCorp
Classification: Uncertain significance. Last evaluated: 2025-09-08. Review status: criteria provided, single submitter. Criteria: LabCorp Variant Classification Summary - May 2015. Collection method: clinical testing. Allele origin: germline.
Comment: Variant summary: KMT2C c.4793+4C>T alters a conserved nucleotide located close to a canonical splice site and therefore could affect mRNA splicing, leading to a significantly altered protein sequence. Consensus agreement among computation tools predict no significant impact on normal splicing. However, these predictions have yet to be confirmed by functional studies. The variant allele was found at a frequency of 1.6e-05 in 249186 control chromosomes. The available data on variant occurrences in the general population are insufficient to allow any conclusion about variant significance. To our knowledge, no occurrence of c.4793+4C>T in individuals affected with KMT2C-related conditions and no experimental evidence demonstrating its impact on protein function have been reported. No submitters have cited clinical-significance assessments for this variant to ClinVar. Based on the evidence outlined above, the variant was classified as uncertain significance.